The following is an entry in ClinVar:

NM_003742.4(ABCB11):c.3629C>G (p.Thr1210Ser)

Gene: ABCB11 (ATP binding cassette subfamily B member 11; minus strand). Cytogenetic location: 2q31.1.
Variant type: single nucleotide variant.
Coding change: c.3629C>G on transcript NM_003742.4 (MANE Select); coding-DNA position 3629, C replaced by G.
Protein change: p.Thr1210Ser; replaces threonine 1210 with serine.
Molecular consequence: missense variant.
Genome position (GRCh38, 1-based): chr2:168,924,793, G>C on the plus strand (C>G on the coding strand, the complement: ABCB11 is on the minus strand). VCF-style: chr2-168924793-G-C. GRCh37 (hg19) VCF-style: chr2-169781303-G-C.
Other names: NM_003742.4(ABCB11):c.3629C>G; p.Thr1210Ser; c.3629C>G, p.Thr1210Ser (LRG_1199t1); short protein forms T1210S.
Identifiers: ClinVar variation 595884 (VCV000595884.9), dbSNP rs1033490064, ClinGen allele CA59868562.
Genomic context (GRCh38, chr2:168,924,793, plus strand): 5'-GCAATAGCAATGCGTTGTTTCTCCCCTCTAGAGAGTTGAGACCCCTGGGACCCAACGTTA[G>C]TTTCATATTTCTGAAAAAAAGTATGATAAGTTTGAGAAATAGAAACAGTTATTGCTCCTG-3'
Protein context (NP_003733.2, residues 1200-1220): FVMSLPEKYE[Thr1210Ser]NVGSQGSQLS

ClinVar aggregate classification (germline): Conflicting classifications of pathogenicity. Review status: criteria provided, conflicting classifications (1 of 4 stars). 3 submissions from 3 submitters: Likely pathogenic (1); Uncertain significance (2). Last evaluated 2025-01-23.

Conditions:
Progressive familial intrahepatic cholestasis type 2. Identifiers: Orphanet 79304, MedGen C3489789, MONDO:0011156, OMIM 601847.

Allele frequency attached by ClinVar (database versions not stated): gnomAD exomes below 0.00001 and 0.00003; gnomAD 0.00003.
gnomAD v4.1: 47 of 1,611,102 alleles (0.0029%); highest among the groups gnomAD compares: Non-Finnish European, 0.0037%; no homozygotes.

Submissions (3):

Broad Center for Mendelian Genomics, Broad Institute of MIT and Harvard
Classification: Uncertain significance for Progressive familial intrahepatic cholestasis type 2. Last evaluated: 2025-01-23. Review status: criteria provided, single submitter. Criteria: ACMG Guidelines, 2015. Collection method: curation. Allele origin: germline. Inheritance: Autosomal recessive inheritance.
Comment: The p.Thr1210Ser variant in ABCB11 has not been previously reported in the literature in individuals with BSEP deficiency, but has been identified in 0.004% (44/1179742) of Latino/Admixed American chromosomes by the Genome Aggregation Database (gnomAD; dbSNP rs1033490064). Although this variant has been seen in the general population in a heterozygous state, its frequency is low enough to be consistent with a recessive carrier frequency. This variant has also been reported in ClinVar (Variation ID: 595884) and has been interpreted as likely pathogenic by Invitae and as a variant of uncertain significance by Eurofins Ntd Llc (ga). Computational prediction tools and conservation analyses suggest that this variant may impact the protein, though this information is not predictive enough to determine pathogenicity. One additional likely pathogenic variant, resulting in a different amino acid change at the same position, p.Thr1210Pro, has been reported in association with disease in the literature/ClinVar, slightly supporting that a change at this position may not be tolerated (PMID: 18395098, 28733223, 19101985, 22609309, 25716872/Variation ID: 943967). In summary, while there is some suspicion for a pathogenic role, the clinical significance of this variant is uncertain. ACMG/AMP Criteria applied: PP3_moderate, PM2_supporting, PM5_supporting (Richards 2015).

Labcorp Genetics (formerly Invitae), Labcorp
Classification: Likely pathogenic. Last evaluated: 2023-10-25. Review status: criteria provided, single submitter. Criteria: Invitae Variant Classification Sherloc (09022015). Collection method: clinical testing. Allele origin: germline.
Comment: This sequence change replaces threonine, which is neutral and polar, with serine, which is neutral and polar, at codon 1210 of the ABCB11 protein (p.Thr1210Ser). This variant is present in population databases (no rsID available, gnomAD 0.003%). This variant has not been reported in the literature in individuals affected with ABCB11-related conditions. ClinVar contains an entry for this variant (Variation ID: 595884). Advanced modeling of protein sequence and biophysical properties (such as structural, functional, and spatial information, amino acid conservation, physicochemical variation, residue mobility, and thermodynamic stability) has been performed at Invitae for this missense variant, however the output from this modeling did not meet the statistical confidence thresholds required to predict the impact of this variant on ABCB11 protein function. This variant disrupts the p.Thr1210 amino acid residue in ABCB11. Other variant(s) that disrupt this residue have been determined to be pathogenic (PMID: 18395098, 22609309, 28733223). This suggests that this residue is clinically significant, and that variants that disrupt this residue are likely to be disease-causing. In summary, the currently available evidence indicates that the variant is pathogenic, but additional data are needed to prove that conclusively. Therefore, this variant has been classified as Likely Pathogenic.

Eurofins Ntd Llc (ga)
Classification: Uncertain significance. Last evaluated: 2018-01-26. Review status: criteria provided, single submitter. Criteria: EGL Classification Definitions 2015. Collection method: clinical testing. Allele origin: germline. Observed: 1 variant allele, 1 heterozygote.

Literature cited by the submitters: PubMed 18395098 (cited by Labcorp Genetics (formerly Invitae), Labcorp); PubMed 22609309 (cited by Labcorp Genetics (formerly Invitae), Labcorp); PubMed 28733223 (cited by Labcorp Genetics (formerly Invitae), Labcorp).